The following is an entry in ClinVar:

ClinVar aggregate classification (germline): Pathogenic. Review status: criteria provided, multiple submitters, no conflicts (2 of 4 stars). 11 submissions from 10 submitters: Pathogenic (10). 1 of the submissions does not count toward it. Last evaluated 2026-02-03.

Conditions:
Autosomal recessive TYR-related disorders.
TYR-related disorder. Also called: TYR-related condition.
Oculocutaneous albinism type 1. Also called: Albinism 1; ALBINISM I. Identifiers: Orphanet 352731, MedGen C0268494, MONDO:0018135. Disease mechanism: loss of function.
Oculocutaneous albinism type 1A (OCA1A). Also called: Albinism, oculocutaneous, type IA. Identifiers: Orphanet 352731, Orphanet 79431, MedGen C4551504, MONDO:0008745, OMIM 203100. Disease mechanism: loss of function.
SKIN/HAIR/EYE PIGMENTATION 3, LIGHT/DARK SKIN (SHEP3). Also called: EYE COLOR 1; EYE COLOR, GREEN/BLUE; SKIN/HAIR/EYE PIGMENTATION, VARIATION IN, 3; SKIN/HAIR/EYE PIGMENTATION 3, BLUE/GREEN EYE COLOR; SKIN/HAIR/EYE PIGMENTATION 3, FRECKLING. Identifiers: MedGen C2677190, OMIM 601800.
Ocular albinism. Identifiers: Orphanet 284804, MedGen C0078917, MeSH D016117, MONDO:0017304, HP:0001107.

Allele frequency attached by ClinVar (database versions not stated): gnomAD exomes below 0.00001; TOPMed 0.00001; gnomAD 0.00001.

Submissions (11):

GeneDx
Classification: Pathogenic. Last evaluated: 2026-02-03. Review status: criteria provided, single submitter. Criteria: GeneDx Variant Classification Process June 2021. Collection method: clinical testing. Allele origin: germline.
Comment: Frameshift variant predicted to result in protein truncation or nonsense mediated decay in a gene for which loss of function is a known mechanism of disease; Not observed at significant frequency in large population cohorts (gnomAD); This variant is associated with the following publications: (PMID: 31589614, 13680365, 30487145, 36964972, 28629449, 37787167, 36460718)

Myriad Genetics, Inc.
Classification: Pathogenic for Oculocutaneous albinism type 1. Last evaluated: 2025-12-23. Review status: criteria provided, single submitter. Criteria: Myriad Autosomal Dominant, Autosomal Recessive and X-Linked Classification Criteria (2023). Collection method: clinical testing. Allele origin: unknown.
Comment: NM_000372.4(TYR):c.74dupT(S26Lfs*3) is a frameshift variant classified as pathogenic in the context of oculocutaneous albinism, TYR-related. S26Lfs*3 has been observed in cases with relevant disease (PMID: 27734839). Relevant functional assessments of this variant are not available in the literature. S26Lfs*3 has not been observed in referenced population frequency databases. In summary, NM_000372.4(TYR):c.74dupT(S26Lfs*3) is a frameshift variant in a gene where loss of function is a known mechanism of disease, is predicted to disrupt protein function, and has been observed more frequently in cases with the relevant disease than in healthy populations. Please note: this variant was assessed in the context of healthy population screening.

Labcorp Genetics (formerly Invitae), Labcorp
Classification: Pathogenic. Last evaluated: 2025-06-03. Review status: criteria provided, single submitter. Criteria: Invitae Variant Classification Sherloc (09022015). Collection method: clinical testing. Allele origin: germline.
Comment: This sequence change creates a premature translational stop signal (p.Ser26Leufs*3) in the TYR gene. It is expected to result in an absent or disrupted protein product. Loss-of-function variants in TYR are known to be pathogenic (PMID: 23504663). This variant is not present in population databases (gnomAD no frequency). This premature translational stop signal has been observed in individual(s) with ocular albinism (PMID: 13680365). ClinVar contains an entry for this variant (Variation ID: 373911). For these reasons, this variant has been classified as Pathogenic.

Variantyx, Inc.
Classification: Pathogenic for Autosomal recessive TYR-related disorders. Last evaluated: 2025-05-15. Review status: criteria provided, single submitter. Criteria: Variantyx Assertion Criteria 2022. Collection method: clinical testing. Allele origin: germline. Inheritance: Autosomal recessive inheritance. Affected: no.
Comment: This is a frameshift variant in the TYR gene (OMIM: 606933). Pathogenic variants in this gene have been associated with autosomal recessive TYR-related disorders. This variant introduces a premature termination codon in exon 1 out of 5 and is expected to result in loss of function, which is a known disease mechanism for TYR in these disorders (PVS1). This variant has been identified in the homozygous or compound heterozygous state in at least 10 individuals reported in the published literature (PMID: 13680365, 19626598, 27734839) (PM3). It has a 0.0003% maximum allele frequency in non-founder control populations (PM2). Based on the current evidence, this variant is classified as pathogenic for autosomal recessive TYR-related disorders.

Baylor Genetics
Classification: Pathogenic for SKIN/HAIR/EYE PIGMENTATION 3, LIGHT/DARK SKIN. Last evaluated: 2024-03-11. Review status: criteria provided, single submitter. Criteria: ACMG Guidelines, 2015. Collection method: clinical testing. Allele origin: unknown.

Blueprint Genetics
Classification: Pathogenic for TYR-related disorders. Last evaluated: 2023-03-07. Review status: criteria provided, single submitter. Criteria: ACMG Guidelines, 2015. Collection method: clinical testing. Allele origin: germline. Affected: yes. Observed: 3 variant alleles.

Genome-Nilou Lab
Classification: Pathogenic for Oculocutaneous albinism type 1A. Last evaluated: 2021-07-22. Review status: criteria provided, single submitter. Criteria: ACMG Guidelines, 2015. Collection method: clinical testing. Allele origin: germline. Affected: no.

Genetic Services Laboratory, University of Chicago
Classification: Pathogenic. Last evaluated: 2017-08-09. Review status: criteria provided, single submitter. Criteria: ACMG Guidelines, 2015. Collection method: clinical testing. Allele origin: germline. Affected: yes.

Centre for Mendelian Genomics, University Medical Centre Ljubljana
Classification: Pathogenic for Oculocutaneous albinism type 1A. Last evaluated: 2016-01-01. Review status: criteria provided, single submitter. Criteria: ACMG Guidelines, 2015. Collection method: clinical testing. Allele origin: unknown. Affected: yes.
Comment: This variant was classified as: Pathogenic. The following ACMG criteria were applied in classifying this variant: PVS1,PM2,PP4.

Kariminejad - Najmabadi Pathology & Genetics Center
Classification: Pathogenic for Oculocutaneous albinism type 1A. Review status: criteria provided, single submitter. Criteria: ACMG Guidelines, 2015. Collection method: clinical testing. Allele origin: germline. Affected: no.

Centre for Mendelian Genomics, University Medical Centre Ljubljana
Classification: Pathogenic for Ocular albinism. Last evaluated: 2016-03-25. Review status: no assertion criteria provided. Collection method: clinical testing. Allele origin: unknown. Affected: yes. Not counted in ClinVar's aggregate classification.

Literature cited by the submitters: PubMed 27734839 (cited by Myriad Genetics, Inc. and Variantyx, Inc.); PubMed 23504663 (cited by Labcorp Genetics (formerly Invitae), Labcorp); PubMed 13680365 (cited by Labcorp Genetics (formerly Invitae), Labcorp and Variantyx, Inc.); PubMed 19626598 (cited by Variantyx, Inc.).

NM_000372.5(TYR):c.74dup (p.Ser26fs)

Gene: TYR (tyrosinase; plus strand). Cytogenetic location: 11q14.3.
Variant type: Duplication.
Coding change: c.74dup on transcript NM_000372.5 (MANE Select); coding-DNA position 74, one base duplicated (T; older notation c.74dupT).
Protein change: p.Ser26fs; shifts the reading frame from serine 26.
Molecular consequence: frameshift variant.
Genome position (GRCh38, 1-based): chr11:89,178,027, T duplicated. VCF-style (leftmost placement, unchanged base first): chr11-89178026-G-GT. GRCh37 (hg19) VCF-style: chr11-88911194-G-GT.
Other names: c.74dup (NM_000372.4); c.74dupT (NM_000372.5); short protein forms S26fs.
Identifiers: ClinVar variation 373911 (VCV000373911.19), dbSNP rs1057518763, ClinGen allele CA16043465.